The following is an entry in ClinVar:

ClinVar aggregate classification (germline): Pathogenic (1 of 4 stars; one submission).

gnomAD v4.1: 1 of 1,612,176 alleles (0.000062%); highest among the groups gnomAD compares: Non-Finnish European, 0.000085%; no homozygotes.

Submission:

Labcorp Genetics (formerly Invitae), Labcorp
Classification: Pathogenic. Last evaluated: 2026-01-06. Review status: criteria provided, single submitter. Criteria: Invitae Variant Classification Sherloc (09022015). Collection method: clinical testing. Allele origin: germline.
Comment: This sequence change creates a premature translational stop signal (p.Trp535*) in the TBCK gene. It is expected to result in an absent or disrupted protein product. Loss-of-function variants in TBCK are known to be pathogenic (PMID: 27040692, 30103036). This variant is not present in population databases (gnomAD no frequency). This variant has not been reported in the literature in individuals affected with TBCK-related conditions. ClinVar contains an entry for this variant (Variation ID: 3630583). Algorithms developed to predict the effect of sequence changes on RNA splicing suggest that this variant may disrupt the consensus splice site. For these reasons, this variant has been classified as Pathogenic.

Literature cited by the submitters: PubMed 27040692; PubMed 30103036.

NM_001163435.3(TBCK):c.1604G>A (p.Trp535Ter)

Gene: TBCK (TBC1 domain containing kinase; minus strand). Cytogenetic location: 4q24.
Variant type: single nucleotide variant.
Coding change: c.1604G>A on transcript NM_001163435.3 (MANE Select); coding-DNA position 1604, G replaced by A.
Protein change: p.Trp535Ter; replaces tryptophan 535 with a stop codon.
Molecular consequence: nonsense.
Genome position (GRCh38, 1-based): chr4:106,232,973, C>T on the plus strand (G>A on the coding strand, the complement: TBCK is on the minus strand). VCF-style: chr4-106232973-C-T. GRCh37 (hg19) VCF-style: chr4-107154130-C-T.
Other names: c.1604G>A, p.Trp535Ter (NM_001163436.4); c.1487G>A, p.Trp496Ter (NM_001163437.3); c.1088G>A, p.Trp363Ter (NM_001290768.2); c.1415G>A, p.Trp472Ter (NM_033115.5); short protein forms W363*, W472*, W496*, W535*.
Identifiers: ClinVar variation 3630583 (VCV003630583.2), dbSNP rs1296819597.
Genomic context (GRCh38, chr4:106,232,973, plus strand): 5'-GAGTTTTAATGACTACAAAAGTTACCTTGCCAATACACAAGATCAGGATGAGACACTACC[C>T]AGGCTTTTAATACACGCCTAAATTTTGCATGACCTTCTGGTGATGATAACAGTTCATCGT-3'